The following is an entry in ClinVar:

ClinVar aggregate classification (germline): Conflicting classifications of pathogenicity. Review status: criteria provided, conflicting classifications (1 of 4 stars). 2 submissions from 2 submitters: Uncertain significance (1); Likely benign (1). Last evaluated 2023-03-23.

Conditions:
Hereditary cancer-predisposing syndrome. Also called: Neoplastic Syndromes, Hereditary; Tumor predisposition; Hereditary Cancer Syndrome; Hereditary neoplastic syndrome. Identifiers: Orphanet 140162, MedGen C0027672, MeSH D009386, MONDO:0015356.

Submissions (2):

University of Washington Department of Laboratory Medicine, University of Washington
Classification: Likely benign for Hereditary cancer-predisposing syndrome. Last evaluated: 2023-03-23. Review status: criteria provided, single submitter. Criteria: Dines et al. (Genet Med. 2020). Collection method: curation. Allele origin: germline.
Comment: Missense variant in a coldspot region where missense variants are very unlikely to be pathogenic (PMID:31911673).

BRCA1 coldspot (exon 11 using historical exon numbering). Reclassification based on statistical prior probability

Ambry Genetics
Classification: Uncertain significance for Hereditary cancer-predisposing syndrome. Last evaluated: 2015-09-14. Review status: criteria provided, single submitter. Criteria: Ambry Variant Classification Scheme 2023. Collection method: clinical testing. Allele origin: germline.
Comment: The p.L965R variant (also known as c.2894T>G), located in coding exon 9 of the BRCA1 gene, results from a T to G substitution at nucleotide position 2894. The leucine at codon 965 is replaced by arginine, an amino acid with dissimilar properties. This variant was not reported in population based cohorts in the following databases: Database of Single Nucleotide Polymorphisms (dbSNP), NHLBI Exome Sequencing Project (ESP), and 1000 Genomes Project. In the ESP, this variant was not observed in 6502 samples (13004 alleles) with coverage at this position. To date, this alteration has been detected with an allele frequency of approximately 0.001% (greater than 150000 alleles tested) in our clinical cohort. This amino acid position is not well conserved in available vertebrate species. In addition, the in silico prediction for this alteration is inconclusive. Since supporting evidence is limited at this time, the clinical significance of p.L965R remains unclear.

NM_007294.4(BRCA1):c.2894T>G (p.Leu965Arg)

Gene: BRCA1 (BRCA1 DNA repair associated; minus strand). Cytogenetic location: 17q21.31.
Variant type: single nucleotide variant.
Coding change: c.2894T>G on transcript NM_007294.4 (MANE Select); coding-DNA position 2894, T replaced by G.
Protein change: p.Leu965Arg; replaces leucine 965 with arginine.
Molecular consequence: missense variant. On other transcripts: intron variant (137).
Genome position (GRCh38, 1-based): chr17:43,092,637, A>C on the plus strand (T>G on the coding strand, the complement: BRCA1 is on the minus strand). VCF-style: chr17-43092637-A-C. GRCh37 (hg19) VCF-style: chr17-41244654-A-C.
Other names: c.587-1605T>G (NM_001408476.1, NM_001408474.1); c.2681T>G, p.Leu894Arg (NM_001407571.1, NM_001407853.1, NM_001407894.1 and 9 more transcripts); c.710-1605T>G (NM_001408409.1, NM_001408414.1, NM_001408411.1 and 2 more transcripts); c.2894T>G, p.Leu965Arg (NM_001407581.1, NM_001407582.1, NM_001407583.1 and 30 more transcripts); c.575-1605T>G (NM_001408493.1, NM_001408490.1, NM_001408491.1); c.455-1605T>G (NM_001408502.1); c.578-1605T>G (NM_001408489.1, NM_001408479.1, NM_001408482.1 and 9 more transcripts); c.2891T>G, p.Leu964Arg (NM_001407587.1, NM_001407590.1, NM_001407591.1 and 22 more transcripts); and 41 more; short protein forms L965R, L918R, L669R, L838R, L853R, L854R, L895R, L938R.
Identifiers: ClinVar variation 233849 (VCV000233849.8), dbSNP rs876660682, ClinGen allele CA10580593.